The following is an entry in ClinVar:

NM_001211.6(BUB1B):c.2758G>T (p.Val920Leu)

Genes: BUB1B-PAK6 (BUB1B-PAK6 readthrough; plus strand), BUB1B (BUB1 mitotic checkpoint serine/threonine kinase B; plus strand). Cytogenetic location: 15q15.1.
Variant type: single nucleotide variant.
Coding change: c.2758G>T on transcript NM_001211.6 (MANE Select); coding-DNA position 2758, G replaced by T.
Protein change: p.Val920Leu; replaces valine 920 with leucine.
Molecular consequence: missense variant. On other transcripts: 5 prime UTR variant (2).
Genome position (GRCh38, 1-based): chr15:40,217,575, G>T. VCF-style: chr15-40217575-G-T. GRCh37 (hg19) VCF-style: chr15-40509776-G-T.
Other names: c.-293G>T (NM_001128628.3); c.-210G>T (NM_001128629.3); short protein forms V920L.
Identifiers: ClinVar variation 3826132 (VCV003826132.1).

ClinVar aggregate classification (germline): Uncertain significance (1 of 4 stars; one submission).

Conditions:
Inborn genetic diseases. Identifiers: MedGen C0950123, MeSH D030342.

gnomAD v4.1: 1 of 1,614,158 alleles (0.000062%); highest among the groups gnomAD compares: East Asian, 0.0022%; no homozygotes.

Submission:

Ambry Genetics
Classification: Uncertain significance for Inborn genetic diseases. Last evaluated: 2025-03-05. Review status: criteria provided, single submitter. Criteria: Ambry Variant Classification Scheme 2023. Collection method: clinical testing. Allele origin: germline.
Comment: The p.V920L variant (also known as c.2758G>T), located in coding exon 21 of the BUB1B gene, results from a G to T substitution at nucleotide position 2758. The valine at codon 920 is replaced by leucine, an amino acid with highly similar properties. This amino acid position is conserved. In addition, this alteration is predicted to be tolerated by in silico analysis. Based on the available evidence, the clinical significance of this variant remains unclear.